The following is an entry in ClinVar:

NM_000266.4(NDP):c.299del (p.Thr100fs)

Genes: NDP (norrin cystine knot growth factor NDP; minus strand), NDP-AS1 (NDP antisense RNA 1; plus strand). Cytogenetic location: Xp11.3.
Variant type: Deletion.
Coding change: c.299del on transcript NM_000266.4 (MANE Select); coding-DNA position 299, one base deleted (C; older notation c.299delC).
Protein change: p.Thr100fs; shifts the reading frame from threonine 100.
Molecular consequence: frameshift variant. On other transcripts: non-coding transcript variant (1).
Genome position (GRCh38, 1-based): chrX:43,949,902, G deleted on the plus strand (C on the coding strand, the reverse complement: NDP is on the minus strand). VCF-style (leftmost placement, unchanged base first): chrX-43949901-AG-A. GRCh37 (hg19) VCF-style: chrX-43809147-AG-A.
Other names: short protein forms T100fs.
Identifiers: ClinVar variation 4682073 (VCV004682073.5).

ClinVar aggregate classification (germline): Likely pathogenic (1 of 4 stars; one submission).

Submission:

CeGaT Center for Human Genetics Tuebingen
Classification: Likely pathogenic. Last evaluated: 2025-12-01. Review status: criteria provided, single submitter. Criteria: CeGaT Center For Human Genetics Tuebingen Variant Classification Criteria Version 2. Collection method: clinical testing. Allele origin: germline. Affected: yes. Observed: 1 variant allele.
Comment: NDP: PVS1:Strong, PM2